The following is an entry in ClinVar:

NM_000127.3(EXT1):c.302A>G (p.Glu101Gly)

Gene: EXT1 (exostosin glycosyltransferase 1; minus strand). Cytogenetic location: 8q24.11.
Variant type: single nucleotide variant.
Coding change: c.302A>G on transcript NM_000127.3 (MANE Select); coding-DNA position 302, A replaced by G.
Protein change: p.Glu101Gly; replaces glutamic acid 101 with glycine.
Molecular consequence: missense variant.
Genome position (GRCh38, 1-based): chr8:118,110,745, T>C on the plus strand (A>G on the coding strand, the complement: EXT1 is on the minus strand). VCF-style: chr8-118110745-T-C. GRCh37 (hg19) VCF-style: chr8-119122984-T-C.
Other names: short protein forms E101G.
Identifiers: ClinVar variation 1463580 (VCV001463580.9), dbSNP rs1384997375, ClinGen allele CA371916158.

ClinVar aggregate classification (germline): Uncertain significance. Review status: criteria provided, multiple submitters, no conflicts (2 of 4 stars). 2 submissions from 2 submitters: Uncertain significance (2). Last evaluated 2023-05-30.

Conditions:
Chondrosarcoma. Also called: Chondrosarcoma, somatic. Identifiers: Orphanet 55880, MedGen C0008479, MONDO:0008977, OMIM 215300, HP:0006765.
Multiple congenital exostosis (EXT). Also called: Multiple osteochondromas; Hereditary multiple osteochondromas; Multiple exostoses; MULTIPLE CARTILAGINOUS EXOSTOSES; Hereditary multiple exostoses; Hereditary multiple exostosis. Identifiers: Orphanet 321, MedGen C0015306, MONDO:0005508, HP:0002762.

Allele frequency attached by ClinVar (database versions not stated): gnomAD exomes below 0.00001 and 0.00001; TOPMed below 0.00001; gnomAD 0.00001.
gnomAD v4.1: 21 of 1,614,078 alleles (0.0013%); highest among the groups gnomAD compares: Non-Finnish European, 0.0017%; no homozygotes.

Submissions (2):

Baylor Genetics
Classification: Uncertain significance for Chondrosarcoma. Last evaluated: 2023-05-30. Review status: criteria provided, single submitter. Criteria: ACMG Guidelines, 2015. Collection method: clinical testing. Allele origin: unknown.

Labcorp Genetics (formerly Invitae), Labcorp
Classification: Uncertain significance for Multiple congenital exostosis. Last evaluated: 2023-03-27. Review status: criteria provided, single submitter. Criteria: Invitae Variant Classification Sherloc (09022015). Collection method: clinical testing. Allele origin: germline.
Comment: In summary, the available evidence is currently insufficient to determine the role of this variant in disease. Therefore, it has been classified as a Variant of Uncertain Significance. Advanced modeling of protein sequence and biophysical properties (such as structural, functional, and spatial information, amino acid conservation, physicochemical variation, residue mobility, and thermodynamic stability) performed at Invitae indicates that this missense variant is not expected to disrupt EXT1 protein function. ClinVar contains an entry for this variant (Variation ID: 1463580). This variant has not been reported in the literature in individuals affected with EXT1-related conditions. This variant is present in population databases (no rsID available, gnomAD 0.002%). This sequence change replaces glutamic acid, which is acidic and polar, with glycine, which is neutral and non-polar, at codon 101 of the EXT1 protein (p.Glu101Gly).